The following is an entry in ClinVar:

ClinVar aggregate classification (germline): Conflicting classifications of pathogenicity. Review status: criteria provided, conflicting classifications (1 of 4 stars). 4 submissions from 4 submitters: Uncertain significance (3); Likely benign (1). Last evaluated 2025-11-28.

Conditions:
Myopathy, myofibrillar, 9, with early respiratory failure (MFM9). Also called: EDSTROM MYOPATHY; MYOPATHY, PROXIMAL, WITH EARLY RESPIRATORY MUSCLE INVOLVEMENT; Myopathy, distal, with early respiratory failure, autosomal dominant; Hereditary myopathy with early respiratory failure. Identifiers: Orphanet 178464, Orphanet 34521, MedGen C1863599, MONDO:0011362, OMIM 603689.
Early-onset myopathy with fatal cardiomyopathy (CMYO5). Also called: CONGENITAL MYOPATHY 5 WITH CARDIOMYOPATHY; Salih Myopathy. Identifiers: Orphanet 289377, MedGen C2673677, MONDO:0012714, OMIM 611705. Disease mechanism: loss of function.
Hypertrophic cardiomyopathy 9. Also called: Familial hypertrophic cardiomyopathy 9. Identifiers: MedGen C1861065, MONDO:0013412, OMIM 613765.
Dilated cardiomyopathy 1G (CMD1G). Identifiers: Orphanet 154, MedGen C1858763, MONDO:0011400, OMIM 604145.
Tibial muscular dystrophy (TMD). Also called: UDD MYOPATHY; Tibial muscular dystrophy, tardive; Udd Distal Myopathy – Tibial Muscular Dystrophy. Identifiers: Orphanet 609, MedGen C1838244, MONDO:0010870, OMIM 600334.
Autosomal recessive limb-girdle muscular dystrophy type 2J (LGMDR10). Also called: MUSCULAR DYSTROPHY, LIMB-GIRDLE, AUTOSOMAL RECESSIVE 10; Limb-girdle muscular dystrophy, type 2J. Identifiers: Orphanet 140922, MedGen C1837342, MONDO:0012127, OMIM 608807.

Allele frequency attached by ClinVar (database versions not stated): gnomAD 0.00001; gnomAD exomes 0.00001; TOPMed 0.00001.
gnomAD v4.1: 14 of 1,613,378 alleles (0.00087%); highest among the groups gnomAD compares: Middle Eastern, 0.016%; no homozygotes.

Submissions (4):

Women's Health and Genetics/Laboratory Corporation of America, LabCorp
Classification: Uncertain significance. Last evaluated: 2025-11-28. Review status: criteria provided, single submitter. Criteria: LabCorp Variant Classification Summary - May 2015. Collection method: clinical testing. Allele origin: germline.

GeneDx
Classification: Uncertain significance. Last evaluated: 2025-04-21. Review status: criteria provided, single submitter. Criteria: GeneDx Variant Classification Process June 2021. Collection method: clinical testing. Allele origin: germline. Affected: yes.
Comment: Not observed at significant frequency in large population cohorts (gnomAD); Missense variant in a gene in which most reported pathogenic variants are truncating/loss of function; Has not been previously published as pathogenic or benign to our knowledge

Molecular Diagnostic Laboratory for Inherited Cardiovascular Disease, Montreal Heart Institute
Classification: Likely benign. Last evaluated: 2025-04-09. Review status: criteria provided, single submitter. Criteria: ACMG Guidelines, 2015. Collection method: clinical testing. Allele origin: germline. Affected: no.

Fulgent Genetics
Classification: Uncertain significance for Tibial muscular dystrophy; Myopathy, myofibrillar, 9, with early respiratory failure; Dilated cardiomyopathy 1G; Autosomal recessive limb-girdle muscular dystrophy type 2J; Early-onset myopathy with fatal cardiomyopathy; Hypertrophic cardiomyopathy 9. Last evaluated: 2021-11-23. Review status: criteria provided, single submitter. Criteria: ACMG Guidelines, 2015. Collection method: clinical testing. Allele origin: unknown.

NM_001267550.2(TTN):c.77999C>T (p.Thr26000Ile)

Genes: TTN (titin; minus strand), TTN-AS1 (TTN antisense RNA 1; plus strand). Cytogenetic location: 2q31.2.
Variant type: single nucleotide variant.
Coding change: c.77999C>T on transcript NM_001267550.2 (MANE Select); coding-DNA position 77999, C replaced by T.
Protein change: p.Thr26000Ile; replaces threonine 26000 with isoleucine.
Molecular consequence: missense variant.
Genome position (GRCh38, 1-based): chr2:178,568,133, G>A on the plus strand (C>T on the coding strand, the complement: TTN is on the minus strand). VCF-style: chr2-178568133-G-A. GRCh37 (hg19) VCF-style: chr2-179432860-G-A.
Other names: p.T24359I:ACA>ATA; c.77999C>T (NM_001267550.1); c.73076C>T, p.Thr24359Ile (NM_001256850.1); c.50804C>T, p.Thr16935Ile (NM_003319.4); c.70295C>T, p.Thr23432Ile (NM_133378.4); c.51179C>T, p.Thr17060Ile (NM_133432.3); c.51380C>T, p.Thr17127Ile (NM_133437.4); short protein forms T24359I, T26000I, T17060I, T23432I, T16935I, T17127I.
Identifiers: ClinVar variation 202883 (VCV000202883.5), dbSNP rs794729506, ClinGen allele CA310581.